The following is an entry in ClinVar:

NM_004006.3(DMD):c.4518+5G>A

Gene: DMD (dystrophin; minus strand). Cytogenetic location: Xp21.1.
Variant type: single nucleotide variant.
Coding change: c.4518+5G>A on transcript NM_004006.3 (MANE Select); 5 bases into the intron after coding-DNA position 4518, G replaced by A.
Molecular consequence: intron variant.
Genome position (GRCh38, 1-based): chrX:32,389,496, C>T on the plus strand (G>A on the coding strand, the complement: DMD is on the minus strand). VCF-style: chrX-32389496-C-T. GRCh37 (hg19) VCF-style: chrX-32407613-C-T.
Other names: c.4494+5G>A (NM_000109.4); c.495+5G>A (NM_004011.4); c.486+5G>A (NM_004012.4); c.4506+5G>A (NM_004009.3); c.4149+5G>A (NM_004010.3).
Identifiers: ClinVar variation 94630 (VCV000094630.13), dbSNP rs398123960, ClinGen allele CA267031.

ClinVar aggregate classification (germline): Pathogenic. Review status: criteria provided, multiple submitters, no conflicts (2 of 4 stars). 3 submissions from 3 submitters: Pathogenic (3). Last evaluated 2024-06-07.

Conditions:
Duchenne muscular dystrophy (DMD). Also called: Duchenne Muscular Dystrophy (DMD); MUSCULAR DYSTROPHY, PSEUDOHYPERTROPHIC PROGRESSIVE, DUCHENNE TYPE. Identifiers: Orphanet 98896, MedGen C0013264, MONDO:0010679, OMIM 310200.

Submissions (3):

Labcorp Genetics (formerly Invitae), Labcorp
Classification: Pathogenic for Duchenne muscular dystrophy. Last evaluated: 2024-06-07. Review status: criteria provided, single submitter. Criteria: Invitae Variant Classification Sherloc (09022015). Collection method: clinical testing. Allele origin: germline.
Comment: This sequence change falls in intron 32 of the DMD gene. It does not directly change the encoded amino acid sequence of the DMD protein. It affects a nucleotide within the consensus splice site. This variant is not present in population databases (gnomAD no frequency). This variant has been observed in individuals with Duchenne muscular dystrophy (PMID: 15979033, 21969337, 23453023, 28859693). ClinVar contains an entry for this variant (Variation ID: 94630). Variants that disrupt the consensus splice site are a relatively common cause of aberrant splicing (PMID: 17576681, 9536098). Studies have shown that this variant alters mRNA splicing and is expected to lead to the loss of protein expression (PMID: 15979033). For these reasons, this variant has been classified as Pathogenic.

3billion
Classification: Pathogenic for Duchenne muscular dystrophy. Last evaluated: 2023-02-23. Review status: criteria provided, single submitter. Criteria: ACMG Guidelines, 2015. Collection method: clinical testing. Allele origin: unknown. Affected: yes.
Comment: This intron variant is not observed in the gnomAD v2.1.1 dataset. Functional studies provide strong evidence of the variant having a damaging effect on the gene or gene product (PMID: 15979033). In silico tools predict the variant to alter splicing and produce an abnormal transcript (SpliceAI: 0.87). The variant has been observed in multiple (>3) similarly affected unrelated individuals (PMID: 15979033, 21969337, 23453023, 28859693). The variant has been reported at least twice as pathogenic without evidence for the classification (ClinVar ID: VCV000094630). Therefore, this variant is classified as Pathogenic according to the recommendation of ACMG/AMP guideline.

Eurofins Ntd Llc (ga)
Classification: Pathogenic. Last evaluated: 2017-07-17. Review status: criteria provided, single submitter. Criteria: EGL Classification Definitions 2015. Collection method: clinical testing. Allele origin: germline. Observed: 2 variant alleles, 1 homozygote, 1 hemizygote.

Literature cited by the submitters: PubMed 15979033 (cited by Labcorp Genetics (formerly Invitae), Labcorp and 3billion); PubMed 21969337 (cited by Labcorp Genetics (formerly Invitae), Labcorp and 3billion); PubMed 23453023 (cited by Labcorp Genetics (formerly Invitae), Labcorp and 3billion); PubMed 28859693 (cited by Labcorp Genetics (formerly Invitae), Labcorp and 3billion); PubMed 17576681 (cited by Labcorp Genetics (formerly Invitae), Labcorp); PubMed 9536098 (cited by Labcorp Genetics (formerly Invitae), Labcorp).